The following is an entry in ClinVar:

NM_007259.5(VPS45):c.260G>A (p.Arg87Gln)

Gene: VPS45 (vacuolar protein sorting 45 homolog; plus strand). Cytogenetic location: 1q21.2.
Variant type: single nucleotide variant.
Coding change: c.260G>A on transcript NM_007259.5 (MANE Select); coding-DNA position 260, G replaced by A.
Protein change: p.Arg87Gln; replaces arginine 87 with glutamine.
Molecular consequence: missense variant. On other transcripts: non-coding transcript variant (1).
Genome position (GRCh38, 1-based): chr1:150,072,197, G>A. VCF-style: chr1-150072197-G-A. GRCh37 (hg19) VCF-style: chr1-150044264-G-A.
Other names: c.152G>A, p.Arg51Gln (NM_001279353.2, NM_001279354.2); c.260G>A (NM_007259.3); short protein forms R51Q, R87Q.
Identifiers: ClinVar variation 973738 (VCV000973738.7), dbSNP rs183320612, ClinGen allele CA1073084.
Genomic context (GRCh38, chr1:150,072,197, plus strand): 5'-ATTTTGTTTGCTTGTTCTTCATTTTCTAGGAGAATGTGGATTATATTATTCAGGAGCTCC[G>A]AAGACCCAAATACACTATATATTTCATTTGTAAGTATGTTAGTTCACTTTTTCAAACATG-3'
Protein context (NP_009190.2, residues 77-97): ENVDYIIQEL[Arg87Gln]RPKYTIYFIY

ClinVar aggregate classification (germline): Uncertain significance. Review status: criteria provided, multiple submitters, no conflicts (2 of 4 stars). 3 submissions from 3 submitters: Uncertain significance (2). 1 of the submissions does not count toward it. Last evaluated 2024-02-13.

Conditions:
Congenital neutropenia-myelofibrosis-nephromegaly syndrome. Also called: Severe congenital neutropenia 5, autosomal recessive. Identifiers: Orphanet 369852, MedGen C3809031, MONDO:0014118, OMIM 615285.
Inborn genetic diseases. Identifiers: MedGen C0950123, MeSH D030342.

Allele frequency attached by ClinVar (database versions not stated): gnomAD exomes 0.00001 and 0.00002; ExAC 0.00002; gnomAD 0.00003 and 0.00004; TOPMed 0.00004; 1000 Genomes Project 30x 0.00016; 1000 Genomes Project 0.00020.

Submissions (3):

Ambry Genetics
Classification: Uncertain significance for Inborn genetic diseases. Last evaluated: 2024-02-13. Review status: criteria provided, single submitter. Criteria: Ambry Variant Classification Scheme 2023. Collection method: clinical testing. Allele origin: germline.

Labcorp Genetics (formerly Invitae), Labcorp
Classification: Uncertain significance for Congenital neutropenia-myelofibrosis-nephromegaly syndrome. Last evaluated: 2022-07-26. Review status: criteria provided, single submitter. Criteria: Invitae Variant Classification Sherloc (09022015). Collection method: clinical testing. Allele origin: germline.
Comment: This sequence change replaces arginine, which is basic and polar, with glutamine, which is neutral and polar, at codon 87 of the VPS45 protein (p.Arg87Gln). This variant is present in population databases (rs183320612, gnomAD 0.02%). This variant has not been reported in the literature in individuals affected with VPS45-related conditions. ClinVar contains an entry for this variant (Variation ID: 973738). Algorithms developed to predict the effect of missense changes on protein structure and function (SIFT, PolyPhen-2, Align-GVGD) all suggest that this variant is likely to be tolerated. In summary, the available evidence is currently insufficient to determine the role of this variant in disease. Therefore, it has been classified as a Variant of Uncertain Significance.

UOSD Laboratory of Genetics & Genomics of Rare Diseases, Istituto Giannina Gaslini
Classification: Uncertain significance for Congenital neutropenia-myelofibrosis-nephromegaly syndrome. Last evaluated: 2020-05-21. Review status: no assertion criteria provided. Collection method: clinical testing. Allele origin: germline. Affected: yes. Observed: 1 variant allele. Not counted in ClinVar's aggregate classification.